The following is an entry in ClinVar:

ClinVar aggregate classification (germline): Uncertain significance (1 of 4 stars; one submission).

Conditions:
Cardiovascular phenotype. Identifiers: MedGen CN230736.

Submission:

Ambry Genetics
Classification: Uncertain significance for Cardiovascular phenotype. Last evaluated: 2025-10-05. Review status: criteria provided, single submitter. Criteria: Ambry Variant Classification Scheme 2023. Collection method: clinical testing. Allele origin: germline.
Comment: The p.P264S variant (also known as c.790C>T), located in coding exon 1 of the MYPN gene, results from a C to T substitution at nucleotide position 790. The proline at codon 264 is replaced by serine, an amino acid with similar properties. This amino acid position is conserved. In addition, this alteration is predicted to be tolerated by in silico analysis. Based on the available evidence, the clinical significance of this variant remains unclear.

NM_032578.4(MYPN):c.790C>T (p.Pro264Ser)

Gene: MYPN (myopalladin; plus strand). Cytogenetic location: 10q21.3.
Variant type: single nucleotide variant.
Coding change: c.790C>T on transcript NM_032578.4 (MANE Select); coding-DNA position 790, C replaced by T.
Protein change: p.Pro264Ser; replaces proline 264 with serine.
Molecular consequence: missense variant. On other transcripts: 5 prime UTR variant (1), non-coding transcript variant (1).
Genome position (GRCh38, 1-based): chr10:68,122,228, C>T. VCF-style: chr10-68122228-C-T. GRCh37 (hg19) VCF-style: chr10-69881985-C-T.
Other names: c.790C>T, p.Pro264Ser (NM_001256267.2); c.-333C>T (NM_001256268.2); short protein forms P264S.
Identifiers: ClinVar variation 4614669 (VCV004614669.1).